The following is an entry in ClinVar:

NM_025099.6(CTC1):c.3437del (p.Cys1146fs)

Gene: CTC1 (CST telomere replication complex component 1; minus strand). Cytogenetic location: 17p13.1.
Variant type: Deletion.
Coding change: c.3437del on transcript NM_025099.6 (MANE Select); coding-DNA position 3437, one base deleted (G; older notation c.3437delG).
Protein change: p.Cys1146fs; shifts the reading frame from cysteine 1146.
Molecular consequence: frameshift variant. On other transcripts: non-coding transcript variant (1).
Genome position (GRCh38, 1-based): chr17:8,228,580, C deleted on the plus strand (G on the coding strand, the reverse complement: CTC1 is on the minus strand). VCF-style (leftmost placement, unchanged base first): chr17-8228579-AC-A. GRCh37 (hg19) VCF-style: chr17-8131897-AC-A.
Other names: c.3206del, p.Cys1069fs (NM_001411067.1); short protein forms C1069fs, C1146fs.
Identifiers: ClinVar variation 2710161 (VCV002710161.3), dbSNP rs2507862720, ClinGen allele CA2697559383.

ClinVar aggregate classification (germline): Pathogenic (1 of 4 stars; one submission).

Conditions:
Dyskeratosis congenita. Identifiers: Orphanet 1775, MedGen C0265965, MONDO:0015780.

Submission:

Labcorp Genetics (formerly Invitae), Labcorp
Classification: Pathogenic for Dyskeratosis congenita. Last evaluated: 2024-01-18. Review status: criteria provided, single submitter. Criteria: Invitae Variant Classification Sherloc (09022015). Collection method: clinical testing. Allele origin: germline.
Comment: This sequence change creates a premature translational stop signal (p.Cys1146Leufs*26) in the CTC1 gene. While this is not anticipated to result in nonsense mediated decay, it is expected to disrupt the last 72 amino acid(s) of the CTC1 protein. This variant is not present in population databases (gnomAD no frequency). This variant has not been reported in the literature in individuals affected with CTC1-related conditions. This variant disrupts a region of the CTC1 protein in which other variant(s) (p.Arg1195*) have been determined to be pathogenic (PMID: 22387016, 23869908). This suggests that this is a clinically significant region of the protein, and that variants that disrupt it are likely to be disease-causing. For these reasons, this variant has been classified as Pathogenic.

Literature cited by the submitters: PubMed 22387016; PubMed 23869908.